The following is an entry in ClinVar:

ClinVar aggregate classification (germline): Uncertain significance (1 of 4 stars; one submission).

Conditions:
Familial cancer of breast. Also called: BREAST CANCER, FAMILIAL; hereditary breast carcinoma; Hereditary breast cancer. Identifiers: Orphanet 227535, MedGen C0346153, MONDO:0016419, OMIM 114480. Disease mechanism: loss of function.

Submission:

Labcorp Genetics (formerly Invitae), Labcorp
Classification: Uncertain significance for Familial cancer of breast. Last evaluated: 2018-09-18. Review status: criteria provided, single submitter. Criteria: Invitae Variant Classification Sherloc (09022015). Collection method: clinical testing. Allele origin: germline.
Comment: This sequence change replaces valine with alanine at codon 198 of the CHEK2 protein (p.Val198Ala). The valine residue is highly conserved and there is a small physicochemical difference between valine and alanine. This variant is not present in population databases (ExAC no frequency). This variant has not been reported in the literature in individuals with CHEK2-related disease. Algorithms developed to predict the effect of missense changes on protein structure and function are either unavailable or do not agree on the potential impact of this missense change (SIFT: "Deleterious"; PolyPhen-2: "Benign"; Align-GVGD: "Class C0"). In summary, the available evidence is currently insufficient to determine the role of this variant in disease. Therefore, it has been classified as a Variant of Uncertain Significance.

NM_007194.4(CHEK2):c.593T>C (p.Val198Ala)

Gene: CHEK2 (checkpoint kinase 2; minus strand). Cytogenetic location: 22q12.1.
Variant type: single nucleotide variant.
Coding change: c.593T>C on transcript NM_007194.4 (MANE Select); coding-DNA position 593, T replaced by C.
Protein change: p.Val198Ala; replaces valine 198 with alanine.
Molecular consequence: missense variant. On other transcripts: 5 prime UTR variant (2), intron variant (1).
Genome position (GRCh38, 1-based): chr22:28,719,485, A>G on the plus strand (T>C on the coding strand, the complement: CHEK2 is on the minus strand). VCF-style: chr22-28719485-A-G. GRCh37 (hg19) VCF-style: chr22-29115473-A-G.
Other names: c.722T>C, p.Val241Ala (NM_001005735.3, NM_001438294.1); c.-71T>C (NM_001257387.3, NM_001437942.1); c.686T>C, p.Val229Ala (NM_001438293.1, NM_001438295.1); c.593T>C, p.Val198Ala (NM_145862.3); c.482+5401T>C (NM_001349956.3); short protein forms V198A, V241A, V229A.
Identifiers: ClinVar variation 665469 (VCV000665469.9), dbSNP rs1601806153, ClinGen allele CA411105159.